The following is an entry in ClinVar:

NM_004970.3(IGFALS):c.1516G>A (p.Gly506Arg)

Gene: IGFALS (insulin like growth factor binding protein acid labile subunit; minus strand). Cytogenetic location: 16p13.3.
Variant type: single nucleotide variant.
Coding change: c.1516G>A on transcript NM_004970.3 (MANE Select); coding-DNA position 1516, G replaced by A.
Protein change: p.Gly506Arg; replaces glycine 506 with arginine.
Molecular consequence: missense variant. On other transcripts: non-coding transcript variant (1).
Genome position (GRCh38, 1-based): chr16:1,790,902, C>T on the plus strand (G>A on the coding strand, the complement: IGFALS is on the minus strand). VCF-style: chr16-1790902-C-T. GRCh37 (hg19) VCF-style: chr16-1840903-C-T.
Other names: c.1630G>A, p.Gly544Arg (NM_001146006.2); short protein forms G544R, G506R.
Identifiers: ClinVar variation 790698 (VCV000790698.9), dbSNP rs141460735, ClinGen allele CA7820284.
Genomic context (GRCh38, chr16:1,790,902, plus strand): 5'-GGGGCTGCGGCGTGAAGGTCCGCAGTGAGTTGTTCCTGAGGCTGAGGTAGCGCAGCCGCC[C>T]CAGTGGTGCCAAGAGGCTGTTGGGCAATGCCTCCAGGCGGTTGTGCGAGACGTCCAGCCA-3'
Protein context (NP_004961.1, residues 496-516): ALPNSLLAPL[Gly506Arg]RLRYLSLRNN

ClinVar aggregate classification (germline): Conflicting classifications of pathogenicity. Review status: criteria provided, conflicting classifications (1 of 4 stars). 3 submissions from 3 submitters: Uncertain significance (1); Benign (2). Last evaluated 2024-11-25.

Conditions:
Short stature due to primary acid-labile subunit deficiency. Also called: Acid-labile subunit, deficiency of; Acid-labile subunit deficiency. Identifiers: Orphanet 140941, MedGen C3900122, MONDO:0014420, OMIM 615961.

Allele frequency attached by ClinVar (database versions not stated): gnomAD exomes 0.00033 and 0.00097; ExAC 0.00184; ESP Exome Variant Server 0.00280; gnomAD 0.00358 and 0.00384; 1000 Genomes Project 30x 0.00390; 1000 Genomes Project 0.00399; TOPMed 0.00399.
gnomAD v4.1: 1,049 of 1,581,616 alleles (0.066%); highest among the groups gnomAD compares: African/African-American, 1.2%; 3 homozygotes.

Submissions (3):

Blueprint Genetics
Classification: Benign. Last evaluated: 2024-11-25. Review status: criteria provided, single submitter. Criteria: ACMG Guidelines, 2015. Collection method: clinical testing. Allele origin: germline.

Labcorp Genetics (formerly Invitae), Labcorp
Classification: Benign. Last evaluated: 2019-12-31. Review status: criteria provided, single submitter. Criteria: Invitae Variant Classification Sherloc (09022015). Collection method: clinical testing. Allele origin: germline.

Illumina Laboratory Services, Illumina
Classification: Uncertain significance for Short stature due to primary acid-labile subunit deficiency. Last evaluated: 2017-04-27. Review status: criteria provided, single submitter. Criteria: ICSL Variant Classification Criteria 13 December 2019. Collection method: clinical testing. Allele origin: germline.
Comment: This variant was observed as part of a predisposition screen in an ostensibly healthy population. A literature search was performed for the gene, cDNA change, and amino acid change (where applicable). Publications were found based on this search. However, the evidence from the literature, in combination with allele frequency data from public databases where available, was not sufficient to rule this variant in or out of causing disease. Therefore, this variant is classified as a variant of unknown significance.

Literature cited by the submitters: PubMed 24335034 (cited by Illumina Laboratory Services, Illumina).